The following is an entry in ClinVar:

ClinVar aggregate classification (germline): Uncertain significance (1 of 4 stars; one submission).

Submission:

Labcorp Genetics (formerly Invitae), Labcorp
Classification: Uncertain significance. Last evaluated: 2024-02-26. Review status: criteria provided, single submitter. Criteria: Invitae Variant Classification Sherloc (09022015). Collection method: clinical testing. Allele origin: germline.
Comment: This sequence change replaces valine, which is neutral and non-polar, with isoleucine, which is neutral and non-polar, at codon 233 of the CSF2RB protein (p.Val233Ile). This variant is not present in population databases (gnomAD no frequency). This variant has not been reported in the literature in individuals affected with CSF2RB-related conditions. Advanced modeling of protein sequence and biophysical properties (such as structural, functional, and spatial information, amino acid conservation, physicochemical variation, residue mobility, and thermodynamic stability) performed at Invitae indicates that this missense variant is not expected to disrupt CSF2RB protein function with a negative predictive value of 80%. In summary, the available evidence is currently insufficient to determine the role of this variant in disease. Therefore, it has been classified as a Variant of Uncertain Significance.

NM_000395.3(CSF2RB):c.697G>A (p.Val233Ile)

Gene: CSF2RB (colony stimulating factor 2 receptor subunit beta; plus strand). Cytogenetic location: 22q12.3.
Variant type: single nucleotide variant.
Coding change: c.697G>A on transcript NM_000395.3 (MANE Select); coding-DNA position 697, G replaced by A.
Protein change: p.Val233Ile; replaces valine 233 with isoleucine.
Molecular consequence: missense variant.
Genome position (GRCh38, 1-based): chr22:36,929,786, G>A. VCF-style: chr22-36929786-G-A. GRCh37 (hg19) VCF-style: chr22-37325828-G-A.
Other names: c.697G>A, p.Val233Ile (NM_001410827.1); short protein forms V233I.
Identifiers: ClinVar variation 2827441 (VCV002827441.3), dbSNP rs2517990875, ClinGen allele CA411406670.
Genomic context (GRCh38, chr22:36,929,786, plus strand): 5'-CGGACCCGCCTGGCCCCAGGTTCTCGGCTCTCAGGACGTCCCAGCAAGTGGAGCCCAGAG[G>A]TTTGCTGGGACTCCCAGCCAGGTAATGTTGCCAGAGCCCAGGAAATGCCCCGTGGTGGGA-3'
Protein context (NP_000386.1, residues 223-243): SGRPSKWSPE[Val233Ile]CWDSQPGDEA